The following is an entry in ClinVar:

NM_015559.3(SETBP1):c.4619C>T (p.Pro1540Leu)

Gene: SETBP1 (SET binding protein 1; plus strand). Cytogenetic location: 18q12.3.
Variant type: single nucleotide variant.
Coding change: c.4619C>T on transcript NM_015559.3 (MANE Select); coding-DNA position 4619, C replaced by T.
Protein change: p.Pro1540Leu; replaces proline 1540 with leucine.
Molecular consequence: missense variant.
Genome position (GRCh38, 1-based): chr18:45,063,526, C>T. VCF-style: chr18-45063526-C-T. GRCh37 (hg19) VCF-style: chr18-42643491-C-T.
Other names: c.4619C>T, p.Pro1540Leu (NM_001379141.1, NM_001379142.1); short protein forms P1540L.
Identifiers: ClinVar variation 1699792 (VCV001699792.8), dbSNP rs1037280105, ClinGen allele CA299946252.

ClinVar aggregate classification (germline): Conflicting classifications of pathogenicity. Review status: criteria provided, conflicting classifications (1 of 4 stars). 3 submissions from 3 submitters: Uncertain significance (2); Benign (1). Last evaluated 2026-01-05.

Conditions:
Inborn genetic diseases. Identifiers: MedGen C0950123, MeSH D030342.

Allele frequency attached by ClinVar (database versions not stated): gnomAD 0.00002 and 0.00003; gnomAD exomes 0.00004; 1000 Genomes Project 30x 0.00016.
gnomAD v4.1: 49 of 1,378,026 alleles (0.0036%); highest among the groups gnomAD compares: Non-Finnish European, 0.0044%; no homozygotes.

Submissions (3):

Labcorp Genetics (formerly Invitae), Labcorp
Classification: Benign. Last evaluated: 2026-01-05. Review status: criteria provided, single submitter. Criteria: Invitae Variant Classification Sherloc (09022015). Collection method: clinical testing. Allele origin: germline.

Ambry Genetics
Classification: Uncertain significance for Inborn genetic diseases. Last evaluated: 2023-10-17. Review status: criteria provided, single submitter. Criteria: Ambry Variant Classification Scheme 2023. Collection method: clinical testing. Allele origin: germline.

GeneDx
Classification: Uncertain significance. Last evaluated: 2022-01-28. Review status: criteria provided, single submitter. Criteria: GeneDx Variant Classification Process June 2021. Collection method: clinical testing. Allele origin: germline. Affected: yes.
Comment: In silico analysis supports that this missense variant does not alter protein structure/function; Has not been previously published as pathogenic or benign to our knowledge